The following is an entry in ClinVar:

ClinVar aggregate classification (germline): Uncertain significance (1 of 4 stars; one submission).

Submission:

Labcorp Genetics (formerly Invitae), Labcorp
Classification: Uncertain significance. Last evaluated: 2021-12-12. Review status: criteria provided, single submitter. Criteria: Invitae Variant Classification Sherloc (09022015). Collection method: clinical testing. Allele origin: germline.
Comment: This variant results in a copy number gain of the genomic region encompassing exon(s) 4-14 of the ALPK3 gene. This region includes the termination codon of the gene. This copy number gain extends beyond the assayed region for this gene and therefore may encompass additional genes. As the precise location of this event is unknown, it may be in tandem or it may be located elsewhere in the genome. This variant has not been reported in the literature in individuals affected with ALPK3-related conditions. Experimental studies and prediction algorithms are not available or were not evaluated, and the functional significance of this variant is currently unknown. In summary, the available evidence is currently insufficient to determine the role of this variant in disease. Therefore, it has been classified as a Variant of Uncertain Significance.

NC_000015.9:g.(?_85382191)_(85411687_?)dup

Gene: ALPK3 (alpha kinase 3; plus strand). Cytogenetic location: 15q25.3.
Variant type: Duplication.
Identifiers: ClinVar variation 2426595 (VCV002426595.4).